The following is an entry in ClinVar:

ClinVar aggregate classification (germline): Uncertain significance (1 of 4 stars; one submission).

Conditions:
X-linked agammaglobulinemia with growth hormone deficiency (IGHD3). Also called: FLEISHER SYNDROME; HYPOGAMMAGLOBULINEMIA AND ISOLATED GROWTH HORMONE DEFICIENCY, X-LINKED; IGHD III; ISOLATED GROWTH HORMONE DEFICIENCY, TYPE III, WITH AGAMMAGLOBULINEMIA; AGAMMAGLOBULINEMIA AND ISOLATED GROWTH HORMONE DEFICIENCY, X-LINKED; Isolated growth hormone deficiency type 3. Identifiers: Orphanet 231692, Orphanet 631, MedGen C0472813, MONDO:0010615, OMIM 307200.

Submission:

Labcorp Genetics (formerly Invitae), Labcorp
Classification: Uncertain significance for X-linked agammaglobulinemia with growth hormone deficiency. Last evaluated: 2023-05-22. Review status: criteria provided, single submitter. Criteria: Invitae Variant Classification Sherloc (09022015). Collection method: clinical testing. Allele origin: germline.
Comment: This sequence change replaces isoleucine, which is neutral and non-polar, with asparagine, which is neutral and polar, at codon 9 of the BTK protein (p.Ile9Asn). In summary, the available evidence is currently insufficient to determine the role of this variant in disease. Therefore, it has been classified as a Variant of Uncertain Significance. Advanced modeling of protein sequence and biophysical properties (such as structural, functional, and spatial information, amino acid conservation, physicochemical variation, residue mobility, and thermodynamic stability) performed at Invitae indicates that this missense variant is not expected to disrupt BTK protein function. This variant has not been reported in the literature in individuals affected with BTK-related conditions. This variant is not present in population databases (gnomAD no frequency).

NM_000061.3(BTK):c.26T>A (p.Ile9Asn)

Gene: BTK (Bruton tyrosine kinase; minus strand). Cytogenetic location: Xq22.1.
Variant type: single nucleotide variant.
Coding change: c.26T>A on transcript NM_000061.3 (MANE Select); coding-DNA position 26, T replaced by A.
Protein change: p.Ile9Asn; replaces isoleucine 9 with asparagine.
Molecular consequence: missense variant.
Genome position (GRCh38, 1-based): chrX:101,375,259, A>T on the plus strand (T>A on the coding strand, the complement: BTK is on the minus strand). VCF-style: chrX-101375259-A-T. GRCh37 (hg19) VCF-style: chrX-100630247-A-T.
Other names: c.128T>A, p.Ile43Asn (NM_001287344.2); c.26T>A, p.Ile9Asn (NM_001287345.2); short protein forms I43N, I9N.
Identifiers: ClinVar variation 2863767 (VCV002863767.3), dbSNP rs2520695586, ClinGen allele CA413939800.